The following is an entry in ClinVar:

NM_001036.6(RYR3):c.7821-5C>G

Gene: RYR3 (ryanodine receptor 3; plus strand). Cytogenetic location: 15q14.
Variant type: single nucleotide variant.
Coding change: c.7821-5C>G on transcript NM_001036.6 (MANE Select); 5 bases into the intron before coding-DNA position 7821, C replaced by G.
Molecular consequence: intron variant.
Genome position (GRCh38, 1-based): chr15:33,742,361, C>G. VCF-style: chr15-33742361-C-G. GRCh37 (hg19) VCF-style: chr15-34034562-C-G.
Other names: c.7821-5C>G (NM_001243996.4).
Identifiers: ClinVar variation 3336126 (VCV003336126.1).

ClinVar aggregate classification (germline): Uncertain significance (1 of 4 stars; one submission).

Submission:

Women's Health and Genetics/Laboratory Corporation of America, LabCorp
Classification: Uncertain significance. Last evaluated: 2024-05-07. Review status: criteria provided, single submitter. Criteria: LabCorp Variant Classification Summary - May 2015. Collection method: clinical testing. Allele origin: germline.
Comment: Variant summary: RYR3 c.7821-5C>G alters a non-conserved nucleotide located close to a canonical splice site and therefore could affect mRNA splicing, leading to a significantly altered protein sequence. Consensus agreement among computation tools predict no significant impact on normal splicing. However, these predictions have yet to be confirmed by functional studies. The variant was absent in 249090 control chromosomes. The available data on variant occurrences in the general population are insufficient to allow any conclusion about variant significance. To our knowledge, no occurrence of c.7821-5C>G in individuals affected with Congenital Myopathy 20 and no experimental evidence demonstrating its impact on protein function have been reported. No submitters have cited clinical-significance assessments for this variant to ClinVar. Based on the evidence outlined above, the variant was classified as uncertain significance.